The following is an entry in ClinVar:

ClinVar aggregate classification (germline): Uncertain significance. Review status: criteria provided, multiple submitters, no conflicts (2 of 4 stars). 2 submissions from 2 submitters: Uncertain significance (2). Last evaluated 2026-06-16.

Conditions:
Proline dehydrogenase deficiency (HYRPRO1). Also called: PROLINE OXIDASE DEFICIENCY; Hyperprolinemia type 1. Identifiers: Orphanet 419, MedGen C0268529, MONDO:0009400, OMIM 239500.

Submissions (2):

Women's Health and Genetics/Laboratory Corporation of America, LabCorp
Classification: Uncertain significance. Last evaluated: 2026-06-16. Review status: criteria provided, single submitter. Criteria: LabCorp Variant Classification Summary - May 2015. Collection method: clinical testing. Allele origin: germline.
Comment: Variant summary: PRODH c.1362_1363delinsAT (p.Ala455Ser) results in a conservative amino acid change in the encoded protein sequence. Algorithms developed to predict the effect of missense changes on protein structure and function are either unavailable or do not agree on the potential impact of this missense change. The variant was absent in 282130 control chromosomes. The available data on variant occurrences in the general population are insufficient to allow any conclusion about variant significance. c.1362_1363delinsAT has been observed with another missense variant in an individual affected with slightly increased prolinemia with unknown phase of the two variants (Jacquet_2002). These report(s) do not provide unequivocal conclusions about association of the variant with disease. At least one publication reports experimental evidence evaluating an impact on protein function (Bender_2005). The most pronounced variant effect results in about 90% of normal activity. The following publications have been ascertained in the context of this evaluation (PMID: 15662599, 12217952). ClinVar contains an entry for this variant (Variation ID: 954759). Based on the evidence outlined above, the variant was classified as uncertain significance.

Labcorp Genetics (formerly Invitae), Labcorp
Classification: Uncertain significance for Proline dehydrogenase deficiency. Last evaluated: 2022-10-01. Review status: criteria provided, single submitter. Criteria: Invitae Variant Classification Sherloc (09022015). Collection method: clinical testing. Allele origin: germline.
Comment: This sequence change replaces alanine, which is neutral and non-polar, with serine, which is neutral and polar, at codon 455 of the PRODH protein (p.Ala455Ser). Information on the frequency of this variant in the gnomAD database is not available, as this variant may be reported differently in the database. This missense change has been observed in individual(s) with clinical features of schizophrenia and elevated proline levels (PMID: 12217952). ClinVar contains an entry for this variant (Variation ID: 954759). Algorithms developed to predict the effect of variants on protein structure and function are not available or were not evaluated for this variant. Experimental studies have shown that this missense change affects PRODH function (PMID: 15662599). In summary, the available evidence is currently insufficient to determine the role of this variant in disease. Therefore, it has been classified as a Variant of Uncertain Significance.

Literature cited by the submitters: PubMed 12217952 (cited by Women's Health and Genetics/Laboratory Corporation of America, LabCorp and Labcorp Genetics (formerly Invitae), Labcorp); PubMed 15662599 (cited by Women's Health and Genetics/Laboratory Corporation of America, LabCorp and Labcorp Genetics (formerly Invitae), Labcorp).

NM_016335.6(PRODH):c.1362_1363delinsAT (p.Ala455Ser)

Gene: PRODH (proline dehydrogenase 1; minus strand). Cytogenetic location: 22q11.21.
Variant type: Indel.
Coding change: c.1362_1363delinsAT on transcript NM_016335.6 (MANE Select); coding-DNA positions 1362 to 1363, GG replaced by AT.
Protein change: p.Ala455Ser; replaces alanine 455 with serine.
Molecular consequence: missense variant.
Genome position (GRCh38, 1-based): chr22:18,918,380-18,918,381, CC replaced by AT on the plus strand (GG replaced by AT on the coding strand, the reverse complement: PRODH is on the minus strand). VCF-style: chr22-18918380-CC-AT. GRCh37 (hg19) VCF-style: chr22-18905893-CC-AT.
Other names: c.1038_1039delinsAT, p.Ala347Ser (NM_001195226.2); short protein forms A455S, A347S.
Identifiers: ClinVar variation 954759 (VCV000954759.8), dbSNP rs2081943034, ClinGen allele CA1139666956.